The following is an entry in ClinVar:

NM_031935.3(HMCN1):c.10169G>A (p.Arg3390Gln)

Gene: HMCN1 (hemicentin 1; plus strand). Cytogenetic location: 1q31.1.
Variant type: single nucleotide variant.
Coding change: c.10169G>A on transcript NM_031935.3 (MANE Select); coding-DNA position 10169, G replaced by A.
Protein change: p.Arg3390Gln; replaces arginine 3390 with glutamine.
Molecular consequence: missense variant.
Genome position (GRCh38, 1-based): chr1:186,093,642, G>A. VCF-style: chr1-186093642-G-A. GRCh37 (hg19) VCF-style: chr1-186062774-G-A.
Other names: short protein forms R3390Q.
Identifiers: ClinVar variation 294219 (VCV000294219.10), dbSNP rs369620574, ClinGen allele CA1293656.
Genomic context (GRCh38, chr1:186,093,642, plus strand): 5'-CTCCACCACAGATAAACTGGCTGAAGAATGGACTTCCTCTGCCTCTCTCCTCCCATATCC[G>A]GTTACTGGCAGCAGGACAAGTTATCAGGTCAGCTTTTATTGTGTCTGATTTCCTAAACAG-3'
Protein context (NP_114141.2, residues 3380-3400): GLPLPLSSHI[Arg3390Gln]LLAAGQVIRI

ClinVar aggregate classification (germline): Uncertain significance. Review status: criteria provided, multiple submitters, no conflicts (2 of 4 stars). 3 submissions from 3 submitters: Uncertain significance (3). Last evaluated 2023-04-11.

Conditions:
Age related macular degeneration 1 (ARMD1). Also called: MACULOPATHY, AGE-RELATED, 1. Identifiers: MedGen C1864205, MONDO:0011285, OMIM 603075.

Allele frequency attached by ClinVar (database versions not stated): TOPMed 0.00002.
gnomAD v4.1: 97 of 1,613,146 alleles (0.006%); highest among the groups gnomAD compares: Non-Finnish European, 0.0078%; no homozygotes.

Submissions (3):

Genome-Nilou Lab
Classification: Uncertain significance for Age related macular degeneration 1. Last evaluated: 2023-04-11. Review status: criteria provided, single submitter. Criteria: ACMG Guidelines, 2015. Collection method: clinical testing. Allele origin: germline. Affected: no.

Labcorp Genetics (formerly Invitae), Labcorp
Classification: Uncertain significance. Last evaluated: 2022-09-02. Review status: criteria provided, single submitter. Criteria: Invitae Variant Classification Sherloc (09022015). Collection method: clinical testing. Allele origin: germline.
Comment: This sequence change replaces arginine, which is basic and polar, with glutamine, which is neutral and polar, at codon 3390 of the HMCN1 protein (p.Arg3390Gln). In summary, the available evidence is currently insufficient to determine the role of this variant in disease. Therefore, it has been classified as a Variant of Uncertain Significance. Algorithms developed to predict the effect of missense changes on protein structure and function (SIFT, PolyPhen-2, Align-GVGD) all suggest that this variant is likely to be disruptive. ClinVar contains an entry for this variant (Variation ID: 294219). This variant has not been reported in the literature in individuals affected with HMCN1-related conditions. This variant is present in population databases (rs369620574, gnomAD 0.005%).

Illumina Laboratory Services, Illumina
Classification: Uncertain significance for Age related macular degeneration 1. Last evaluated: 2018-01-13. Review status: criteria provided, single submitter. Criteria: ICSL Variant Classification Criteria 13 December 2019. Collection method: clinical testing. Allele origin: germline.